The following is an entry in ClinVar:

NM_203475.3(PORCN):c.548G>A (p.Arg183His)

Gene: PORCN (porcupine O-acyltransferase; plus strand). Cytogenetic location: Xp11.23.
Variant type: single nucleotide variant.
Coding change: c.548G>A on transcript NM_203475.3 (MANE Select); coding-DNA position 548, G replaced by A.
Protein change: p.Arg183His; replaces arginine 183 with histidine.
Molecular consequence: missense variant.
Genome position (GRCh38, 1-based): chrX:48,512,500, G>A. VCF-style: chrX-48512500-G-A. GRCh37 (hg19) VCF-style: chrX-48370888-G-A.
Other names: c.335G>A, p.Arg112His (NM_001282167.2); c.548G>A, p.Arg183His (NM_022825.4, NM_203473.3, NM_203474.1); short protein forms R112H, R183H.
Identifiers: ClinVar variation 2413712 (VCV002413712.6), dbSNP rs370199558, ClinGen allele CA10402763.

ClinVar aggregate classification (germline): Uncertain significance (1 of 4 stars; one submission).

Allele frequency attached by ClinVar (database versions not stated): gnomAD exomes 0.00003; TOPMed 0.00005; gnomAD 0.00006; ESP Exome Variant Server 0.00009; ExAC 0.00010; 1000 Genomes Project 0.00026; 1000 Genomes Project 30x 0.00042.

Submission:

Labcorp Genetics (formerly Invitae), Labcorp
Classification: Uncertain significance. Last evaluated: 2024-02-16. Review status: criteria provided, single submitter. Criteria: Invitae Variant Classification Sherloc (09022015). Collection method: clinical testing. Allele origin: germline.
Comment: This sequence change replaces arginine, which is basic and polar, with histidine, which is basic and polar, at codon 183 of the PORCN protein (p.Arg183His). The frequency data for this variant in the population databases is considered unreliable, as metrics indicate poor data quality at this position in the gnomAD database. This variant has not been reported in the literature in individuals affected with PORCN-related conditions. ClinVar contains an entry for this variant (Variation ID: 2413712). Advanced modeling of protein sequence and biophysical properties (such as structural, functional, and spatial information, amino acid conservation, physicochemical variation, residue mobility, and thermodynamic stability) performed at Invitae indicates that this missense variant is not expected to disrupt PORCN protein function with a negative predictive value of 80%. In summary, the available evidence is currently insufficient to determine the role of this variant in disease. Therefore, it has been classified as a Variant of Uncertain Significance.